The following is an entry in ClinVar:

NM_016247.4(IMPG2):c.2838C>T (p.Phe946=)

Gene: IMPG2 (interphotoreceptor matrix proteoglycan 2; minus strand). Cytogenetic location: 3q12.3.
Variant type: single nucleotide variant.
Coding change: c.2838C>T on transcript NM_016247.4 (MANE Select); coding-DNA position 2838, C replaced by T.
Protein change: p.Phe946=; no amino-acid change (phenylalanine 946 retained).
Molecular consequence: synonymous variant.
Genome position (GRCh38, 1-based): chr3:101,242,872, G>A on the plus strand (C>T on the coding strand, the complement: IMPG2 is on the minus strand). VCF-style: chr3-101242872-G-A. GRCh37 (hg19) VCF-style: chr3-100961716-G-A.
Other names: c.2838C>T (NM_016247.3).
Identifiers: ClinVar variation 1116570 (VCV001116570.11), dbSNP rs375273157, ClinGen allele CA2518890.

ClinVar aggregate classification (germline): Likely benign. Review status: criteria provided, multiple submitters, no conflicts (2 of 4 stars). 3 submissions from 3 submitters: Likely benign (3). Last evaluated 2024-12-23.

Conditions:
IMPG2-related disorder. Also called: IMPG2-related condition.

Allele frequency attached by ClinVar (database versions not stated): gnomAD exomes 0.00001 and 0.00005; ExAC 0.00007; gnomAD 0.00014 and 0.00016; TOPMed 0.00014; ESP Exome Variant Server 0.00023.
gnomAD v4.1: 33 of 1,613,886 alleles (0.002%); highest among the groups gnomAD compares: African/African-American, 0.035%; no homozygotes.

Submissions (3):

PreventionGenetics, part of Exact Sciences
Classification: Likely benign for IMPG2-related condition. Last evaluated: 2024-12-23. Review status: criteria provided, single submitter. Criteria: ACMG Guidelines, 2015. Collection method: clinical testing. Allele origin: germline.
Comment: This variant is classified as likely benign based on ACMG/AMP sequence variant interpretation guidelines (Richards et al. 2015 PMID: 25741868, with internal and published modifications).

Labcorp Genetics (formerly Invitae), Labcorp
Classification: Likely benign. Last evaluated: 2023-12-22. Review status: criteria provided, single submitter. Criteria: Invitae Variant Classification Sherloc (09022015). Collection method: clinical testing. Allele origin: germline.

Blueprint Genetics
Classification: Likely benign. Last evaluated: 2023-11-17. Review status: criteria provided, single submitter. Criteria: ACMG Guidelines, 2015. Collection method: clinical testing. Allele origin: germline.